The following is an entry in ClinVar:

ClinVar aggregate classification (germline): Pathogenic/Likely pathogenic. Review status: criteria provided, multiple submitters, no conflicts (2 of 4 stars). 7 submissions from 7 submitters: Pathogenic (5); Likely pathogenic (1). 1 of the submissions does not count toward it. Last evaluated 2025-07-14.

Conditions:
Mitochondrial trifunctional protein deficiency 1 (MTPD1). Identifiers: MedGen CN376812, MONDO:0958181, OMIM 609015.
Mitochondrial trifunctional protein deficiency. Identifiers: Orphanet 746, MedGen C1969443, MONDO:0012172.
Long chain 3-hydroxyacyl-CoA dehydrogenase deficiency. Also called: Deficiency of long-chain 3-hydroxyacyl-coenzyme A dehydrogenase; LCHAD Deficiency. Identifiers: Orphanet 5, MedGen C3711645, MONDO:0012173, OMIM 609016.

Submissions (7):

3billion
Classification: Pathogenic for Mitochondrial trifunctional protein deficiency 1. Last evaluated: 2025-07-14. Review status: criteria provided, single submitter. Criteria: ACMG Guidelines, 2015. Collection method: clinical testing. Allele origin: germline. Affected: yes.
Comment: The variant is observed at an extremely low frequency in the gnomAD v4.1.0 dataset (total allele frequency: <0.001%). Predicted Consequence/Location: Frameshift: predicted to result in a loss or disruption of normal protein function through nonsense-mediated decay (NMD) or protein truncation. Multiple pathogenic variants are reported downstream of the variant. The variant has been reported at least twice as pathogenic with clinical assertions and evidence for the classification (ClinVar ID: VCV000189089 /PMID: 21549624). Therefore, this variant is classified as Pathogenic according to the recommendation of ACMG/AMP guideline.

Natera, Inc.
Classification: Pathogenic for Deficiency of long-chain 3-hydroxyacyl-coenzyme A dehydrogenase. Last evaluated: 2025-07-07. Review status: criteria provided, single submitter. Criteria: Natera Variant Classification Schema (03/2026). Collection method: clinical testing. Allele origin: germline.
Comment: The c.1981_1999del variant in HADHA is a frameshift variant predicted to shift the reading frame beginning at codon 661 and leads to a stop codon 12 codons downstream. This variant is expected to result in nonsense mediated decay, truncation, or a dysfunctional protein product. This variant is rare in the general population with a frequency below the threshold expected for the associated phenotype(s). This variant has been observed in one or more individuals affected with the associated recessive disease, as either homozygous or compound heterozygous with a second variant (PMID: 21549624). Given the available evidence, this variant is classified as Pathogenic.

Labcorp Genetics (formerly Invitae), Labcorp
Classification: Pathogenic for Mitochondrial trifunctional protein deficiency; Long chain 3-hydroxyacyl-CoA dehydrogenase deficiency. Last evaluated: 2024-09-09. Review status: criteria provided, single submitter. Criteria: Invitae Variant Classification Sherloc (09022015). Collection method: clinical testing. Allele origin: germline.
Comment: This sequence change creates a premature translational stop signal (p.Leu661Serfs*12) in the HADHA gene. It is expected to result in an absent or disrupted protein product. Loss-of-function variants in HADHA are known to be pathogenic (PMID: 7738175, 21103935, 21549624, 22459206). This variant is present in population databases (rs749848370, gnomAD 0.003%). This premature translational stop signal has been observed in individual(s) with HADHA-related conditions (PMID: 21549624, 32827528). ClinVar contains an entry for this variant (Variation ID: 189089). For these reasons, this variant has been classified as Pathogenic.

Baylor Genetics
Classification: Pathogenic for Long chain 3-hydroxyacyl-CoA dehydrogenase deficiency. Last evaluated: 2023-06-08. Review status: criteria provided, single submitter. Criteria: ACMG Guidelines, 2015. Collection method: clinical testing. Allele origin: unknown.

Fulgent Genetics
Classification: Pathogenic for Mitochondrial trifunctional protein deficiency 1; Long chain 3-hydroxyacyl-CoA dehydrogenase deficiency. Last evaluated: 2022-01-19. Review status: criteria provided, single submitter. Criteria: ACMG Guidelines, 2015. Collection method: clinical testing. Allele origin: unknown.

Women's Health and Genetics/Laboratory Corporation of America, LabCorp
Classification: Likely pathogenic for Mitochondrial trifunctional protein deficiency. Last evaluated: 2019-10-31. Review status: criteria provided, single submitter. Criteria: LabCorp Variant Classification Summary - May 2015. Collection method: clinical testing. Allele origin: germline.
Comment: Variant summary: HADHA c.1981_1999del19 (p.Leu661SerfsX12) results in a premature termination codon, predicted to cause a truncation of the encoded protein or absence of the protein due to nonsense mediated decay, which are commonly known mechanisms for disease. Truncations downstream of this position have been reported in patients (HGMD). This exonic variant is located close to a canonical splice-site and therefore could affect mRNA splicing: 5/5 computational tools predict no significant impact on normal splicing. However, these predictions have yet to be confirmed by functional studies. The variant allele was found at a frequency of 1.2e-05 in 251460 control chromosomes. c.1981_1999del19 has been reported in the literature in a compound heterozygous individual affected with Mitochondrial trifunctional protein deficiency (Boutron_2011). This publication reported that the patient carried this variant had 39% of normal LCHAD activity measured from muscle tissue (Boutron_2011). No clinical diagnostic laboratories have submitted clinical-significance assessments for this variant to ClinVar after 2014. Based on the evidence outlined above, the variant was classified as likely pathogenic.

Counsyl
Classification: Likely pathogenic for Long-chain 3-hydroxyacyl-CoA dehydrogenase deficiency. Last evaluated: 2014-12-11. Review status: no assertion criteria provided. Collection method: literature only. Allele origin: unknown. Inheritance: Autosomal recessive inheritance. Not counted in ClinVar's aggregate classification.

Literature cited by the submitters: PubMed 21549624 (cited by 5 submitters); PubMed 7738175 (cited by Labcorp Genetics (formerly Invitae), Labcorp); PubMed 21103935 (cited by Labcorp Genetics (formerly Invitae), Labcorp); PubMed 22459206 (cited by Labcorp Genetics (formerly Invitae), Labcorp); PubMed 32827528 (cited by Labcorp Genetics (formerly Invitae), Labcorp).

NM_000182.5(HADHA):c.1981_1999del (p.Leu661fs)

Genes: GAREM2 (GRB2 associated regulator of MAPK1 subtype 2; plus strand), HADHA (hydroxyacyl-CoA dehydrogenase trifunctional multienzyme complex subunit alpha; minus strand). Cytogenetic location: 2p23.3.
Variant type: Deletion.
Coding change: c.1981_1999del on transcript NM_000182.5 (MANE Select); coding-DNA positions 1981 to 1999, 19 bases deleted (CTGCCTCCTAAGTCTGAAG).
Protein change: p.Leu661fs; shifts the reading frame from leucine 661.
Molecular consequence: frameshift variant.
Genome position (GRCh38, 1-based): chr2:26,192,311-26,192,329, CTTCAGACTTAGGAGGCAG deleted on the plus strand (CTGCCTCCTAAGTCTGAAG on the coding strand, the reverse complement: HADHA is on the minus strand); deleting any 19 consecutive bases within chr2:26,192,311-26,192,338 gives the same sequence; the c. name uses the placement nearest the transcript's 3' end. VCF-style (leftmost placement, unchanged base first): chr2-26192310-ACTTCAGACTTAGGAGGCAG-A. GRCh37 (hg19) VCF-style: chr2-26415179-ACTTCAGACTTAGGAGGCAG-A.
Other names: c.1981_1999del (NM_000182.4); short protein forms L661fs.
Identifiers: ClinVar variation 189089 (VCV000189089.11), dbSNP rs749848370, ClinGen allele CA199115.